The following is an entry in ClinVar:

Single allele

Genes: FAAP100 (FA core complex associated protein 100; minus strand), FSCN2 (fascin actin-bundling protein 2, retinal; plus strand). Cytogenetic location: 17q25.3.
Variant type: Duplication.
Identifiers: ClinVar variation 560126 (VCV000560126.3).

ClinVar aggregate classification (germline): Uncertain significance (1 of 4 stars; one submission).

Submission:

Geisinger Autism and Developmental Medicine Institute, Geisinger Health System
Classification: Uncertain significance. Last evaluated: 2018-03-28. Review status: criteria provided, single submitter. Criteria: ACMG CNV Guidelines, 2011. Collection method: provider interpretation. Allele origin: unknown.
Comment: Parental testing was not completed. This duplication includes a portion of two genes, FSCN2 and RAAP100. The clinical consequences of a partial duplication of FSCN2 and FAAP100 remain unclear at this time.